The following is an entry in ClinVar:

NM_000094.4(COL7A1):c.7520del (p.Lys2507fs)

Gene: COL7A1 (collagen type VII alpha 1 chain; minus strand). Cytogenetic location: 3p21.31.
Variant type: Deletion.
Coding change: c.7520del on transcript NM_000094.4 (MANE Select); coding-DNA position 7520, one base deleted (A; older notation c.7520delA).
Protein change: p.Lys2507fs; shifts the reading frame from lysine 2507.
Molecular consequence: frameshift variant.
Genome position (GRCh38, 1-based): chr3:48,569,881, T deleted on the plus strand (A on the coding strand, the reverse complement: COL7A1 is on the minus strand); the first of 2 consecutive T bases (chr3:48,569,881-48,569,882); deleting either gives the same sequence. VCF-style (leftmost placement, unchanged base first): chr3-48569880-CT-C. GRCh37 (hg19) VCF-style: chr3-48607313-CT-C.
Other names: short protein forms K2507fs.
Identifiers: ClinVar variation 2864284 (VCV002864284.3), dbSNP rs2530851514, ClinGen allele CA2739278440.
Genomic context (GRCh38, chr3:48,569,880, plus strand): 5'-AATATCATACAAGATCCACTCACCCCCCCACTCATGCCAGGACCTTCCCCACGTTCCTAC[CT>C]TCTCCCCACGCTCTCCCCTGCTGCCAGGGGGCCCCTGTGTGAGAGAAGGTGACCGTGAGC-3'

ClinVar aggregate classification (germline): Pathogenic (1 of 4 stars; one submission).

Submission:

Labcorp Genetics (formerly Invitae), Labcorp
Classification: Pathogenic. Last evaluated: 2023-05-19. Review status: criteria provided, single submitter. Criteria: Invitae Variant Classification Sherloc (09022015). Collection method: clinical testing. Allele origin: germline.
Comment: This sequence change creates a premature translational stop signal (p.Lys2507Argfs*9) in the COL7A1 gene. It is expected to result in an absent or disrupted protein product. Loss-of-function variants in COL7A1 are known to be pathogenic (PMID: 16971478). This variant is not present in population databases (gnomAD no frequency). This variant has not been reported in the literature in individuals affected with COL7A1-related conditions. For these reasons, this variant has been classified as Pathogenic.

Literature cited by the submitters: PubMed 16971478.